The following is an entry in ClinVar:

NM_001080467.3(MYO5B):c.5313+3A>G

Genes: MYO5B (myosin VB; minus strand), SNHG22 (small nucleolar RNA host gene 22; plus strand). Cytogenetic location: 18q21.1.
Variant type: single nucleotide variant.
Coding change: c.5313+3A>G on transcript NM_001080467.3 (MANE Select); 3 bases into the intron after coding-DNA position 5313, A replaced by G.
Molecular consequence: intron variant.
Genome position (GRCh38, 1-based): chr18:49,836,708, T>C on the plus strand (A>G on the coding strand, the complement: MYO5B is on the minus strand). VCF-style: chr18-49836708-T-C. GRCh37 (hg19) VCF-style: chr18-47363078-T-C.
Identifiers: ClinVar variation 1433144 (VCV001433144.7), dbSNP rs1415051191, ClinGen allele CA629925572.

ClinVar aggregate classification (germline): Uncertain significance. Review status: criteria provided, multiple submitters, no conflicts (2 of 4 stars). 2 submissions from 2 submitters: Uncertain significance (2). Last evaluated 2025-06-27.

Allele frequency attached by ClinVar (database versions not stated): gnomAD exomes below 0.00001; TOPMed 0.00001.
gnomAD v4.1: 5 of 1,614,008 alleles (0.00031%); highest among the groups gnomAD compares: Non-Finnish European, 0.00034%; no homozygotes.

Submissions (2):

GeneDx
Classification: Uncertain significance. Last evaluated: 2025-06-27. Review status: criteria provided, single submitter. Criteria: GeneDx Variant Classification Process June 2021. Collection method: clinical testing. Allele origin: germline. Affected: yes.
Comment: Not observed at significant frequency in large population cohorts (gnomAD); In silico analysis is inconclusive as to whether the variant alters gene splicing. In the absence of RNA/functional studies, the actual effect of this sequence change is unknown.; Has not been previously published as pathogenic or benign to our knowledge

Labcorp Genetics (formerly Invitae), Labcorp
Classification: Uncertain significance. Last evaluated: 2021-06-13. Review status: criteria provided, single submitter. Criteria: Invitae Variant Classification Sherloc (09022015). Collection method: clinical testing. Allele origin: germline.
Comment: This sequence change falls in intron 38 of the MYO5B gene. It does not directly change the encoded amino acid sequence of the MYO5B protein. It affects a nucleotide within the consensus splice site of the intron. This variant is not present in population databases (ExAC no frequency). In summary, the available evidence is currently insufficient to determine the role of this variant in disease. Therefore, it has been classified as a Variant of Uncertain Significance. Nucleotide substitutions within the consensus splice site are a relatively common cause of aberrant splicing (PMID: 17576681, 9536098). Algorithms developed to predict the effect of sequence changes on RNA splicing suggest that this variant may disrupt the consensus splice site, but this prediction has not been confirmed by published transcriptional studies. This variant has not been reported in the literature in individuals with MYO5B-related conditions.

Literature cited by the submitters: PubMed 17576681 (cited by Labcorp Genetics (formerly Invitae), Labcorp); PubMed 9536098 (cited by Labcorp Genetics (formerly Invitae), Labcorp).